The following is an entry in ClinVar:

ClinVar aggregate classification (germline): Conflicting classifications of pathogenicity. Review status: criteria provided, conflicting classifications (1 of 4 stars). 2 submissions from 2 submitters: Uncertain significance (1); Likely benign (1). Last evaluated 2025-10-22.

Conditions:
Malignant hyperthermia, susceptibility to, 5 (MHS5). Also called: CACNA1S-Related Malignant Hyperthermia Susceptibility. Identifiers: Orphanet 423, MedGen C1866077, MONDO:0011163, OMIM 601887.
Hypokalemic periodic paralysis, type 1. Also called: Hypokalemic Periodic Paralysis Type 1 (AD); HypoPP. Identifiers: Orphanet 681, MedGen C3714580, MONDO:0042979, OMIM 170400.

Allele frequency attached by ClinVar (database versions not stated): gnomAD 0.00001.

Submissions (2):

Labcorp Genetics (formerly Invitae), Labcorp
Classification: Likely benign for Hypokalemic periodic paralysis, type 1; Malignant hyperthermia, susceptibility to, 5. Last evaluated: 2025-10-22. Review status: criteria provided, single submitter. Criteria: Invitae Variant Classification Sherloc (09022015). Collection method: clinical testing. Allele origin: germline.

All of Us Research Program, National Institutes of Health
Classification: Uncertain significance for Malignant hyperthermia, susceptibility to, 5. Last evaluated: 2023-02-15. Review status: criteria provided, single submitter. Criteria: ACMG Guidelines, 2015. Collection method: clinical testing. Allele origin: germline. Inheritance: Autosomal dominant inheritance. Observed: 1 variant allele, 1 heterozygote.
Comment: This variant causes a C to G nucleotide substitution at the -14 position of intron 5 of the CACNA1S gene. To our knowledge, functional studies have not been reported for this variant. This variant has not been reported in individuals affected with CACNA1S-related disorders in the literature. This variant has been identified in 1/31408 chromosomes in the general population by the Genome Aggregation Database (gnomAD). The available evidence is insufficient to determine the role of this variant in disease conclusively. Therefore, this variant is classified as a Variant of Uncertain Significance.

This study involves interpretation of variants in research participants for the purpose of population health screening. Participant phenotype was not available at the time of variant classification. Additional details can be found in publication PMID: 35346344, PMCID: PMC8962531

NM_000069.3(CACNA1S):c.695-14C>G

Gene: CACNA1S (calcium voltage-gated channel subunit alpha1 S; minus strand). Cytogenetic location: 1q32.1.
Variant type: single nucleotide variant.
Coding change: c.695-14C>G on transcript NM_000069.3 (MANE Select); 14 bases into the intron before coding-DNA position 695, C replaced by G.
Molecular consequence: intron variant.
Genome position (GRCh38, 1-based): chr1:201,089,477, G>C on the plus strand (C>G on the coding strand, the complement: CACNA1S is on the minus strand). VCF-style: chr1-201089477-G-C. GRCh37 (hg19) VCF-style: chr1-201058605-G-C.
Identifiers: ClinVar variation 3069392 (VCV003069392.2), dbSNP rs1262968798, ClinGen allele CA528536755.
Genomic context (GRCh38, chr1:201,089,477, plus strand): 5'-CCTGGCGCAGGGCGATGGCTCTTCATTCTCCACCGTGGCCACGATATCTGGAGGCAGAAG[G>C]CAAAGGGAACATCAGACAACAGTAGTAGGTGGACAACGACAGGAGGAAAGGTGTATAAGA-3'